The following is an entry in ClinVar:

NM_001042492.3(NF1):c.6147+1G>A

Gene: NF1 (neurofibromin 1; plus strand). Cytogenetic location: 17q11.2.
Variant type: single nucleotide variant.
Coding change: c.6147+1G>A on transcript NM_001042492.3 (MANE Select); the canonical splice donor site of the intron after coding-DNA position 6147, G replaced by A.
Molecular consequence: splice donor variant.
Genome position (GRCh38, 1-based): chr17:31,336,474, G>A. VCF-style: chr17-31336474-G-A. GRCh37 (hg19) VCF-style: chr17-29663492-G-A.
Other names: c.6084+1G>A (NM_000267.4).
Identifiers: ClinVar variation 404489 (VCV000404489.12), dbSNP rs1060500296, ClinGen allele CA16615294.

ClinVar aggregate classification (germline): Pathogenic. Review status: criteria provided, multiple submitters, no conflicts (2 of 4 stars). 6 submissions from 6 submitters: Pathogenic (5). 1 of the submissions does not count toward it. Last evaluated 2025-11-15.

Conditions:
Hereditary cancer-predisposing syndrome. Also called: Tumor predisposition; Neoplastic Syndromes, Hereditary; Hereditary Cancer Syndrome; Hereditary neoplastic syndrome. Identifiers: Orphanet 140162, MedGen C0027672, MeSH D009386, MONDO:0015356.
Neurofibromatosis, type 1 (NF1). Also called: Neurofibromatosis, type I; NEUROFIBROMATOSIS, TYPE I, SOMATIC; Peripheral type neurofibromatosis; VON RECKLINGHAUSEN DISEASE. Identifiers: Orphanet 636, MedGen C0027831, MONDO:0018975, OMIM 162200. Disease mechanism: loss of function.

Submissions (6):

Labcorp Genetics (formerly Invitae), Labcorp
Classification: Pathogenic for Neurofibromatosis, type 1. Last evaluated: 2025-11-15. Review status: criteria provided, single submitter. Criteria: Invitae Variant Classification Sherloc (09022015). Collection method: clinical testing. Allele origin: germline.
Comment: This sequence change affects a donor splice site in intron 40 of the NF1 gene. It is expected to disrupt RNA splicing. Variants that disrupt the donor or acceptor splice site typically lead to a loss of protein function (PMID: 16199547), and loss-of-function variants in NF1 are known to be pathogenic (PMID: 10712197, 23913538). This variant is not present in population databases (gnomAD no frequency). Disruption of this splice site has been observed in individuals with neurofibromatosis type 1 (PMID: 22222937; internal data). Invitae Evidence Modeling of clinical and family history, age, sex, and reported ancestry of multiple individuals with this NF1 variant has been performed. This variant is expected to be pathogenic with a positive predictive value of at least 99%. This is a validated machine learning model that incorporates the clinical features of 1,785,918 individuals referred to our laboratory for NF1 testing. ClinVar contains an entry for this variant (Variation ID: 404489). Algorithms developed to predict the effect of sequence changes on RNA splicing suggest that this variant may disrupt the consensus splice site. For these reasons, this variant has been classified as Pathogenic.

ARUP Laboratories, Molecular Genetics and Genomics, ARUP Laboratories
Classification: Pathogenic. Last evaluated: 2025-05-16. Review status: criteria provided, single submitter. Criteria: ARUP Molecular Germline Variant Investigation Process 2024. Collection method: clinical testing. Allele origin: germline.
Comment: The NF1 c.6147+1G>A variant (rs1060500296, ClinVar Variation ID: 404489), also known as c.6084+1G>A for NM_000267.3, is reported in the literature in at least one individual suspected of neurofibromatosis type 1 (De Luca 2004) and in individuals with pheochromocytoma and/or paraganglioma (Gieldon 2018, Mellid 2023). This variant is absent from the Genome Aggregation Database (v2.1.1), indicating it is not a common polymorphism. Additionally, other variants at this splice site (c.6147+1G>T) have been reported in individuals with neurofibromatosis type 1 (Bianco 2012). This variant disrupts the canonical splice donor site of intron 41, which is likely to negatively impact gene function. Based on available information, this variant is considered to be pathogenic. References: Bianco G et al. An histologically atypical NF-type 1 patient with a new pathogenic mutation. Neurol Sci. 2012 Dec;33(6):1483-5. PMID: 22222937. De Luca A et al. Novel and recurrent mutations in the NF1 gene in Italian patients with neurofibromatosis type 1. Hum Mutat. 2004 Jun;23(6):629. PMID: 15146469. Gieldon L et al. Next-generation panel sequencing identifies NF1 germline mutations in three patients with pheochromocytoma but no clinical diagnosis of neurofibromatosis type 1. Eur J Endocrinol. 2018 Feb;178(2):K1-K9. PMID: 29158289. Mellid S et al. Co-occurrence of mutations in NF1 and other susceptibility genes in pheochromocytoma and paraganglioma. Front Endocrinol (Lausanne). 2023 Jan 25;13:1070074. PMID: 36760809.

Genome-Nilou Lab
Classification: Pathogenic for Neurofibromatosis, type 1. Last evaluated: 2022-03-15. Review status: criteria provided, single submitter. Criteria: ACMG Guidelines, 2015. Collection method: clinical testing. Allele origin: germline. Affected: no.

Center for Human Genetics, Inc
Classification: Pathogenic for Neurofibromatosis, type 1. Last evaluated: 2016-11-01. Review status: criteria provided, single submitter. Criteria: ACMG Guidelines, 2015. Collection method: clinical testing. Allele origin: germline. Affected: yes.

Ambry Genetics
Classification: Pathogenic for Hereditary cancer-predisposing syndrome. Last evaluated: 2015-07-22. Review status: criteria provided, single submitter. Criteria: Ambry Autosomal Dominant and X-Linked criteria (10/2015). Collection method: clinical testing. Allele origin: germline. Observed: 1 variant allele.
Comment: The c.6147+1G>A intronic pathogenic mutation (also known asc.6084+1G>A)results from a G to A substitutionone nucleotide after coding exon 41 of the NF1 gene.This variant was found in one individual who wasclinicallysuspected to have NF1; however,specific clinical details for thisindividual were not provided (De Luca A, et al. Hum. Mutat. 2004;23(6):629).A different alterationlocatedat the same nucleotideposition,c.6147+1G>T, was found in an individual who met NIH clinical criteria for NF1 (Bianco G, et al.Neurol. Sci. 2012;33(6):1483-5).In addition to the clinical data presented in the literature, since alterations that disrupt the canonical splice donor site are typically deleterious in nature, this alteration is interpreted as a disease-causing mutation (ACMG Recommendations for Standards for Interpretation and Reporting of Sequence Variations. Revision 2007. Genet Med. 2008;10:294).

Gharavi Laboratory, Columbia University
Classification: Pathogenic. Last evaluated: 2018-09-16. Review status: no assertion criteria provided. Criteria: ACMG Guidelines, 2015. Collection method: research. Allele origin: germline. Affected: yes. Not counted in ClinVar's aggregate classification.

Literature cited by the submitters: PubMed 16199547 (cited by Labcorp Genetics (formerly Invitae), Labcorp); PubMed 10712197 (cited by Labcorp Genetics (formerly Invitae), Labcorp); PubMed 23913538 (cited by Labcorp Genetics (formerly Invitae), Labcorp); PubMed 22222937 (cited by Labcorp Genetics (formerly Invitae), Labcorp and Ambry Genetics); PubMed 15146469 (cited by Ambry Genetics).